The following is an entry in ClinVar:

ClinVar aggregate classification (germline): Pathogenic (1 of 4 stars; one submission).

Conditions:
Ehlers-Danlos syndrome due to tenascin-X deficiency (EDSCLL1). Also called: EDS DUE TO TNX DEFICIENCY; TNX DEFICIENCY; Ehlers-Danlos syndrome, classic-like, 1; EHLERS-DANLOS SYNDROME, CLASSIC-LIKE; TNXB-Related Classical-Like Ehlers-Danlos Syndrome. Identifiers: Orphanet 230839, MedGen C1848029, MONDO:0011670, OMIM 606408.

Submission:

Myriad Genetics, Inc.
Classification: Pathogenic for Ehlers-Danlos syndrome due to tenascin-X deficiency. Last evaluated: 2026-06-07. Review status: criteria provided, single submitter. Criteria: Myriad Autosomal Dominant, Autosomal Recessive and X-Linked Classification Criteria (2023). Collection method: clinical testing. Allele origin: unknown.
Comment: NM_019105.6(TNXB):c.7943_7944delGG(W2648Yfs*8) is expected to be pathogenic in the context of classical-like Ehlers-Danlos syndrome, TNXB-related. This variant is predicted to lead to an abnormal or absent protein product due to the creation of a premature termination codon in TNXB, a gene where loss-of-function variants are known to be pathogenic. Please note: this variant was assessed in the context of healthy population screening.

NM_001365276.2(TNXB):c.7943_7944del (p.Trp2648fs)

Gene: TNXB (tenascin XB; minus strand). Cytogenetic location: 6p21.33.
Variant type: Deletion.
Coding change: c.7943_7944del on transcript NM_001365276.2 (MANE Select); coding-DNA positions 7943 to 7944, 2 bases deleted (GG; older notation c.7943_7944delGG).
Protein change: p.Trp2648fs; shifts the reading frame from tryptophan 2648.
Molecular consequence: frameshift variant.
Genome position (GRCh38, 1-based): chr6:32,056,785-32,056,786, CC deleted on the plus strand (GG on the coding strand, the reverse complement: TNXB is on the minus strand). VCF-style (leftmost placement, unchanged base first): chr6-32056784-TCC-T. GRCh37 (hg19) VCF-style: chr6-32024561-TCC-T.
Other names: c.8684_8685del, p.Trp2895fs (NM_001428335.1); c.7943_7944del, p.Trp2648fs (NM_019105.8); short protein forms W2648fs, W2895fs.
Identifiers: ClinVar variation 5016005 (VCV005016005.1).